The following is an entry in ClinVar:

ClinVar aggregate classification (germline): Uncertain significance. Review status: criteria provided, multiple submitters, no conflicts (2 of 4 stars). 3 submissions from 3 submitters: Uncertain significance (3). Last evaluated 2025-07-13.

Conditions:
Myopathy, proximal, and ophthalmoplegia (CMYO6). Also called: MYOPATHY WITH CONGENITAL JOINT CONTRACTURES, OPHTHALMOPLEGIA, AND RIMMED VACUOLES; INCLUSION BODY MYOPATHY 3, AUTOSOMAL DOMINANT; CONGENITAL MYOPATHY 6 WITH OPHTHALMOPLEGIA. Identifiers: Orphanet 363677, Orphanet 79091, MedGen C1854106, MONDO:0011577, OMIM 605637.

Allele frequency attached by ClinVar (database versions not stated): gnomAD exomes 0.00002; ExAC 0.00003; gnomAD 0.00004; TOPMed 0.00005; 1000 Genomes Project 30x 0.00016; 1000 Genomes Project 0.00020.
gnomAD v4.1: 32 of 1,614,204 alleles (0.002%); highest among the groups gnomAD compares: South Asian, 0.0077%; no homozygotes.

Submissions (3):

Labcorp Genetics (formerly Invitae), Labcorp
Classification: Uncertain significance for Myopathy, proximal, and ophthalmoplegia. Last evaluated: 2025-07-13. Review status: criteria provided, single submitter. Criteria: Invitae Variant Classification Sherloc (09022015). Collection method: clinical testing. Allele origin: germline.
Comment: This sequence change replaces alanine, which is neutral and non-polar, with threonine, which is neutral and polar, at codon 1769 of the MYH2 protein (p.Ala1769Thr). This variant is present in population databases (rs550869991, gnomAD 0.006%). This variant has not been reported in the literature in individuals affected with MYH2-related conditions. ClinVar contains an entry for this variant (Variation ID: 649904). Invitae Evidence Modeling of protein sequence and biophysical properties (such as structural, functional, and spatial information, amino acid conservation, physicochemical variation, residue mobility, and thermodynamic stability) indicates that this missense variant is not expected to disrupt MYH2 protein function with a negative predictive value of 80%. In summary, the available evidence is currently insufficient to determine the role of this variant in disease. Therefore, it has been classified as a Variant of Uncertain Significance.

Blueprint Genetics
Classification: Uncertain significance. Last evaluated: 2024-05-03. Review status: criteria provided, single submitter. Criteria: ACMG Guidelines, 2015. Collection method: clinical testing. Allele origin: germline.

Revvity Omics, Revvity
Classification: Uncertain significance for Myopathy, proximal, and ophthalmoplegia. Last evaluated: 2019-03-13. Review status: criteria provided, single submitter. Criteria: ACMG Guidelines, 2015. Collection method: clinical testing. Allele origin: germline.

NM_017534.6(MYH2):c.5305G>A (p.Ala1769Thr)

Genes: MYH2 (myosin heavy chain 2; minus strand), MYHAS (myosin heavy chain gene cluster antisense RNA; plus strand). Cytogenetic location: 17p13.1.
Variant type: single nucleotide variant.
Coding change: c.5305G>A on transcript NM_017534.6 (MANE Select); coding-DNA position 5305, G replaced by A.
Protein change: p.Ala1769Thr; replaces alanine 1769 with threonine.
Molecular consequence: missense variant.
Genome position (GRCh38, 1-based): chr17:10,523,663, C>T on the plus strand (G>A on the coding strand, the complement: MYH2 is on the minus strand). VCF-style: chr17-10523663-C-T. GRCh37 (hg19) VCF-style: chr17-10426980-C-T.
Other names: c.5305G>A, p.Ala1769Thr (NM_001100112.2); short protein forms A1769T.
Identifiers: ClinVar variation 649904 (VCV000649904.9), dbSNP rs550869991, ClinGen allele CA8390425.